The following is an entry in ClinVar:

ClinVar aggregate classification (germline): Uncertain significance (1 of 4 stars; one submission).

Conditions:
AGL-related disorder. Also called: AGL-related condition.

Submission:

PreventionGenetics, part of Exact Sciences
Classification: Uncertain significance for AGL-related condition. Last evaluated: 2024-10-24. Review status: criteria provided, single submitter. Criteria: ACMG Guidelines, 2015. Collection method: clinical testing. Allele origin: germline.
Comment: The AGL c.3628A>C variant is predicted to result in the amino acid substitution p.Lys1210Gln. To our knowledge, this variant has not been reported in the literature or in a large population database (gnomAD), indicating this variant is rare. At this time, the clinical significance of this variant is uncertain due to the absence of conclusive functional and genetic evidence.

NM_000642.3(AGL):c.3628A>C (p.Lys1210Gln)

Gene: AGL (amylo-alpha-1,6-glucosidase and 4-alpha-glucanotransferase; plus strand). Cytogenetic location: 1p21.2.
Variant type: single nucleotide variant.
Coding change: c.3628A>C on transcript NM_000642.3 (MANE Select); coding-DNA position 3628, A replaced by C.
Protein change: p.Lys1210Gln; replaces lysine 1210 with glutamine.
Molecular consequence: missense variant.
Genome position (GRCh38, 1-based): chr1:99,902,722, A>C. VCF-style: chr1-99902722-A-C. GRCh37 (hg19) VCF-style: chr1-100368278-A-C.
Other names: c.3628A>C, p.Lys1210Gln (NM_000028.3, NM_000643.3, NM_000644.3 and 1 more transcripts); c.3580A>C, p.Lys1194Gln (NM_000646.3); c.3607A>C, p.Lys1203Gln (NM_001425326.1); c.3427A>C, p.Lys1143Gln (NM_001425327.1); c.3424A>C, p.Lys1142Gln (NM_001425328.1); c.3289A>C, p.Lys1097Gln (NM_001425329.1); c.3250A>C, p.Lys1084Gln (NM_001425332.1); short protein forms K1143Q, K1097Q, K1210Q, K1142Q, K1194Q, K1203Q, K1084Q.
Identifiers: ClinVar variation 4999080 (VCV004999080.1).